The following is an entry in ClinVar:

ClinVar aggregate classification (germline): Pathogenic (1 of 4 stars; one submission).

Conditions:
Hereditary cancer-predisposing syndrome. Also called: Tumor predisposition; Hereditary Cancer Syndrome; Neoplastic Syndromes, Hereditary; Hereditary neoplastic syndrome. Identifiers: Orphanet 140162, MedGen C0027672, MeSH D009386, MONDO:0015356.

Submission:

Ambry Genetics
Classification: Pathogenic for Hereditary cancer-predisposing syndrome. Last evaluated: 2022-07-13. Review status: criteria provided, single submitter. Criteria: Ambry Variant Classification Scheme 2023. Collection method: clinical testing. Allele origin: germline.
Comment: The c.3253_3254insT pathogenic mutation, located in coding exon 5 of the MSH6 gene, results from an insertion of one nucleotide at position 3253, causing a translational frameshift with a predicted alternate stop codon (p.T1085Ifs*8). This alteration is expected to result in loss of function by premature protein truncation or nonsense-mediated mRNA decay. As such, this alteration is interpreted as a disease-causing mutation.

NM_000179.3(MSH6):c.3253_3254insT (p.Thr1085fs)

Gene: MSH6 (mutS homolog 6; plus strand). Cytogenetic location: 2p16.3.
Variant type: Insertion.
Coding change: c.3253_3254insT on transcript NM_000179.3 (MANE Select); coding-DNA positions 3253 to 3254, T inserted.
Protein change: p.Thr1085fs; shifts the reading frame from threonine 1085.
Molecular consequence: frameshift variant.
Genome position: GRCh38 VCF-style: chr2-47803500-A-AT. GRCh37 (hg19) VCF-style: chr2-48030639-A-AT.
Other names: c.2863_2864insT, p.Thr955fs (NM_001281492.2); c.2347_2348insT, p.Thr783fs (NM_001281493.2, NM_001281494.2); short protein forms T1085fs, T955fs, T783fs.
Identifiers: ClinVar variation 823312 (VCV000823312.4), dbSNP rs1572735220, ClinGen allele CA915943949.
Genomic context (GRCh38, chr2:47,803,500, plus strand): 5'-AACTATAGTCGAGGGGGTGATGGTCCTATGTGTCGCCCAGTAATTCTGTTGCCGGAAGAT[A>AT]CCCCCCCCTTCTTAGAGCTTAAAGGATCACGCCATCCTTGCATTACGAAGACTTTTTTTG-3'